The following is an entry in ClinVar:

ClinVar aggregate classification (germline): Uncertain significance (1 of 4 stars; one submission).

Conditions:
Mitochondrial DNA depletion syndrome 9 (MTDPS9). Also called: SUCLG1-Related Mitochondrial DNA Depletion Syndrome, Encephalomyopathic Form with Methylmalonic Aciduria. Identifiers: Orphanet 17, MedGen C3151476, MONDO:0009504, OMIM 245400.

Allele frequency attached by ClinVar (database versions not stated): gnomAD exomes below 0.00001 and 0.00001; ExAC 0.00001; TOPMed 0.00001.
gnomAD v4.1: 11 of 1,614,136 alleles (0.00068%); highest among the groups gnomAD compares: Non-Finnish European, 0.00085%; no homozygotes.

Submission:

Labcorp Genetics (formerly Invitae), Labcorp
Classification: Uncertain significance for Mitochondrial DNA depletion syndrome 9. Last evaluated: 2021-08-27. Review status: criteria provided, single submitter. Criteria: Invitae Variant Classification Sherloc (09022015). Collection method: clinical testing. Allele origin: germline.
Comment: This sequence change replaces alanine with threonine at codon 113 of the SUCLG1 protein (p.Ala113Thr). The alanine residue is highly conserved and there is a small physicochemical difference between alanine and threonine. This variant is present in population databases (rs749557020, ExAC 0.002%). This variant has not been reported in the literature in individuals affected with SUCLG1-related conditions. Algorithms developed to predict the effect of missense changes on protein structure and function are either unavailable or do not agree on the potential impact of this missense change (SIFT: "Deleterious"; PolyPhen-2: "Possibly Damaging"; Align-GVGD: "Class C0"). In summary, the available evidence is currently insufficient to determine the role of this variant in disease. Therefore, it has been classified as a Variant of Uncertain Significance.

NM_003849.4(SUCLG1):c.337G>A (p.Ala113Thr)

Gene: SUCLG1 (succinate-CoA ligase GDP/ADP-forming subunit alpha; minus strand). Cytogenetic location: 2p11.2.
Variant type: single nucleotide variant.
Coding change: c.337G>A on transcript NM_003849.4 (MANE Select); coding-DNA position 337, G replaced by A.
Protein change: p.Ala113Thr; replaces alanine 113 with threonine.
Molecular consequence: missense variant.
Genome position (GRCh38, 1-based): chr2:84,441,441, C>T on the plus strand (G>A on the coding strand, the complement: SUCLG1 is on the minus strand). VCF-style: chr2-84441441-C-T. GRCh37 (hg19) VCF-style: chr2-84668565-C-T.
Other names: short protein forms A113T.
Identifiers: ClinVar variation 1371972 (VCV001371972.5), dbSNP rs749557020, ClinGen allele CA1736332.